The following is an entry in ClinVar:

NM_005045.4(RELN):c.2095G>A (p.Ala699Thr)

Gene: RELN (reelin; minus strand). Cytogenetic location: 7q22.1.
Variant type: single nucleotide variant.
Coding change: c.2095G>A on transcript NM_005045.4 (MANE Select); coding-DNA position 2095, G replaced by A.
Protein change: p.Ala699Thr; replaces alanine 699 with threonine.
Molecular consequence: missense variant.
Genome position (GRCh38, 1-based): chr7:103,636,443, C>T on the plus strand (G>A on the coding strand, the complement: RELN is on the minus strand). VCF-style: chr7-103636443-C-T. GRCh37 (hg19) VCF-style: chr7-103276890-C-T.
Other names: c.2095G>A, p.Ala699Thr (NM_173054.3); short protein forms A699T.
Identifiers: ClinVar variation 805269 (VCV000805269.37), dbSNP rs543233426, ClinGen allele CA4422066.

ClinVar aggregate classification (germline): Uncertain significance. Review status: criteria provided, multiple submitters, no conflicts (2 of 4 stars). 3 submissions from 3 submitters: Uncertain significance (3). Last evaluated 2025-02-27.

Conditions:
Norman-Roberts syndrome (LIS2). Also called: Lissencephaly 2 (Norman-Roberts type). Identifiers: Orphanet 89844, MedGen C0796089, MONDO:0009760, OMIM 257320.
Familial temporal lobe epilepsy 7. Identifiers: Orphanet 101046, MedGen C4225327, MONDO:0014639, OMIM 616436.

Allele frequency attached by ClinVar (database versions not stated): ExAC 0.00001; TOPMed 0.00002; gnomAD 0.00004.
gnomAD v4.1: 103 of 1,613,506 alleles (0.0064%); highest among the groups gnomAD compares: Non-Finnish European, 0.0082%; no homozygotes.

Submissions (3):

Labcorp Genetics (formerly Invitae), Labcorp
Classification: Uncertain significance for Familial temporal lobe epilepsy 7; Norman-Roberts syndrome. Last evaluated: 2025-02-27. Review status: criteria provided, single submitter. Criteria: Invitae Variant Classification Sherloc (09022015). Collection method: clinical testing. Allele origin: germline.
Comment: This sequence change replaces alanine, which is neutral and non-polar, with threonine, which is neutral and polar, at codon 699 of the RELN protein (p.Ala699Thr). This variant is present in population databases (rs543233426, gnomAD 0.005%). This variant has not been reported in the literature in individuals affected with RELN-related conditions. ClinVar contains an entry for this variant (Variation ID: 805269). Invitae Evidence Modeling of protein sequence and biophysical properties (such as structural, functional, and spatial information, amino acid conservation, physicochemical variation, residue mobility, and thermodynamic stability) indicates that this missense variant is not expected to disrupt RELN protein function with a negative predictive value of 80%. In summary, the available evidence is currently insufficient to determine the role of this variant in disease. Therefore, it has been classified as a Variant of Uncertain Significance.

CeGaT Center for Human Genetics Tuebingen
Classification: Uncertain significance. Last evaluated: 2023-04-01. Review status: criteria provided, single submitter. Criteria: CeGaT Center For Human Genetics Tuebingen Variant Classification Criteria Version 2. Collection method: clinical testing. Allele origin: germline. Affected: yes. Observed: 1 variant allele.
Comment: RELN: PM2

Athena Diagnostics
Classification: Uncertain significance. Last evaluated: 2019-03-28. Review status: criteria provided, single submitter. Criteria: Athena Diagnostics Criteria. Collection method: clinical testing. Allele origin: germline.

Literature cited by the submitters: PubMed 26901136 (cited by Athena Diagnostics).